The following is an entry in ClinVar:

ClinVar aggregate classification (germline): Likely benign. Review status: criteria provided, multiple submitters, no conflicts (2 of 4 stars). 4 submissions from 4 submitters: Likely benign (4). Last evaluated 2025-07-13.

Conditions:
Brugada syndrome 8 (BRGDA8). Identifiers: Orphanet 130, MedGen C2751083, MONDO:0013148, OMIM 613123.
Cardiovascular phenotype. Identifiers: MedGen CN230736.

Allele frequency attached by ClinVar (database versions not stated): ExAC 0.00001; gnomAD 0.00001; gnomAD exomes 0.00002; TOPMed 0.00002.
gnomAD v4.1: 19 of 1,610,030 alleles (0.0012%); highest among the groups gnomAD compares: Middle Eastern, 0.033%; no homozygotes.

Submissions (4):

Labcorp Genetics (formerly Invitae), Labcorp
Classification: Likely benign for Brugada syndrome 8. Last evaluated: 2025-07-13. Review status: criteria provided, single submitter. Criteria: Invitae Variant Classification Sherloc (09022015). Collection method: clinical testing. Allele origin: germline.

Molecular Diagnostic Laboratory for Inherited Cardiovascular Disease, Montreal Heart Institute
Classification: Likely benign. Last evaluated: 2025-04-09. Review status: criteria provided, single submitter. Criteria: ACMG Guidelines, 2015. Collection method: clinical testing. Allele origin: germline. Affected: no.
Comment: BP6;BP7

Ambry Genetics
Classification: Likely benign for Cardiovascular phenotype. Last evaluated: 2021-06-10. Review status: criteria provided, single submitter. Criteria: Ambry Variant Classification Scheme 2023. Collection method: clinical testing. Allele origin: germline.

Blueprint Genetics
Classification: Likely benign. Last evaluated: 2020-12-22. Review status: criteria provided, single submitter. Criteria: ACMG Guidelines, 2015. Collection method: clinical testing. Allele origin: germline.

NM_005477.3(HCN4):c.3447C>T (p.His1149=)

Gene: HCN4 (hyperpolarization activated cyclic nucleotide gated potassium channel 4; minus strand). Cytogenetic location: 15q24.1.
Variant type: single nucleotide variant.
Coding change: c.3447C>T on transcript NM_005477.3 (MANE Select); coding-DNA position 3447, C replaced by T.
Protein change: p.His1149=; no amino-acid change (histidine 1149 retained).
Molecular consequence: synonymous variant.
Genome position (GRCh38, 1-based): chr15:73,322,646, G>A on the plus strand (C>T on the coding strand, the complement: HCN4 is on the minus strand). VCF-style: chr15-73322646-G-A. GRCh37 (hg19) VCF-style: chr15-73614987-G-A.
Identifiers: ClinVar variation 1136931 (VCV001136931.13), dbSNP rs773681962, ClinGen allele CA7648822.